The following is an entry in ClinVar:

ClinVar aggregate classification (germline): Uncertain significance (1 of 4 stars; one submission).

gnomAD v4.1: 7 of 1,579,860 alleles (0.00044%); highest among the groups gnomAD compares: East Asian, 0.0023%; no homozygotes.

Submission:

Ambry Genetics
Classification: Uncertain significance. Last evaluated: 2026-06-24. Review status: criteria provided, single submitter. Criteria: Ambry Variant Classification Scheme 2023. Collection method: clinical testing. Allele origin: germline.
Comment: The p.V459M variant (also known as c.1375G>A), located in coding exon 6 of the WNK2 gene, results from a G to A substitution at nucleotide position 1375. The valine at codon 459 is replaced by methionine, an amino acid with highly similar properties. This amino acid position is conserved. In addition, the in silico prediction for this alteration is inconclusive. Based on the available evidence, the clinical significance of this variant remains unclear.

NM_006648.4(WNK2):c.1375G>A (p.Val459Met)

Gene: WNK2 (WNK lysine deficient protein kinase 2; plus strand). Cytogenetic location: 9q22.31.
Variant type: single nucleotide variant.
Coding change: c.1375G>A on transcript NM_006648.4 (MANE Select); coding-DNA position 1375, G replaced by A.
Protein change: p.Val459Met; replaces valine 459 with methionine.
Molecular consequence: missense variant.
Genome position (GRCh38, 1-based): chr9:93,239,809, G>A. VCF-style: chr9-93239809-G-A. GRCh37 (hg19) VCF-style: chr9-96002091-G-A.
Other names: c.1375G>A, p.Val459Met (NM_001282394.3); short protein forms V459M.
Identifiers: ClinVar variation 5031806 (VCV005031806.1).